The following is an entry in ClinVar:

ClinVar aggregate classification (germline): Uncertain significance. Review status: criteria provided, multiple submitters, no conflicts (2 of 4 stars). 2 submissions from 2 submitters: Uncertain significance (2). Last evaluated 2025-02-28.

Allele frequency attached by ClinVar (database versions not stated): gnomAD exomes 0.00007; ExAC 0.00009; ESP Exome Variant Server 0.00015.

Submissions (2):

Ambry Genetics
Classification: Uncertain significance. Last evaluated: 2025-02-28. Review status: criteria provided, single submitter. Criteria: Ambry Variant Classification Scheme 2023. Collection method: clinical testing. Allele origin: germline.

Labcorp Genetics (formerly Invitae), Labcorp
Classification: Uncertain significance. Last evaluated: 2024-01-06. Review status: criteria provided, single submitter. Criteria: Invitae Variant Classification Sherloc (09022015). Collection method: clinical testing. Allele origin: germline.
Comment: This sequence change replaces asparagine, which is neutral and polar, with threonine, which is neutral and polar, at codon 512 of the CCDC88A protein (p.Asn512Thr). This variant is present in population databases (rs377623390, gnomAD 0.08%). This variant has not been reported in the literature in individuals affected with CCDC88A-related conditions. ClinVar contains an entry for this variant (Variation ID: 1510082). An algorithm developed to predict the effect of missense changes on protein structure and function (PolyPhen-2) suggests that this variant¬†is likely to be tolerated. In summary, the available evidence is currently insufficient to determine the role of this variant in disease. Therefore, it has been classified as a Variant of Uncertain Significance.

NM_001365480.1(CCDC88A):c.1535A>C (p.Asn512Thr)

Gene: CCDC88A (coiled-coil domain containing 88A; minus strand). Cytogenetic location: 2p16.1.
Variant type: single nucleotide variant.
Coding change: c.1535A>C on transcript NM_001365480.1 (MANE Select); coding-DNA position 1535, A replaced by C.
Protein change: p.Asn512Thr; replaces asparagine 512 with threonine.
Molecular consequence: missense variant.
Genome position (GRCh38, 1-based): chr2:55,336,802, T>G on the plus strand (A>C on the coding strand, the complement: CCDC88A is on the minus strand). VCF-style: chr2-55336802-T-G. GRCh37 (hg19) VCF-style: chr2-55563938-T-G.
Other names: c.1535A>C, p.Asn512Thr (NM_001135597.2, NM_001254943.2, NM_018084.5); c.1535A>C (NM_001135597.1); short protein forms N512T.
Identifiers: ClinVar variation 1510082 (VCV001510082.5), dbSNP rs377623390, ClinGen allele CA1666117.
Genomic context (GRCh38, chr2:55,336,802, plus strand): 5'-ATTAGATCCTTGCTTAAATTCTGACAATTCTGAAGACTTTGCTTTTCTTGAACAATCTCA[T>G]TTTCAAGAATCTCAACCTAGAGAAAATTAAATCACAAAACAATACGTTAAATATTCTGTA-3'
Protein context (NP_001352409.1, residues 502-522): RLSKKVEILE[Asn512Thr]EIVQEKQSLQ